The following is an entry in ClinVar:

ClinVar aggregate classification (germline): Likely benign. Review status: criteria provided, multiple submitters, no conflicts (2 of 4 stars). 2 submissions from 2 submitters: Likely benign (2). Last evaluated 2026-01-01.

gnomAD v4.1: 1 of 1,613,860 alleles (0.000062%); highest among the groups gnomAD compares: Admixed American, 0.0017%; no homozygotes.

Submissions (2):

CeGaT Center for Human Genetics Tuebingen
Classification: Likely benign. Last evaluated: 2026-01-01. Review status: criteria provided, single submitter. Criteria: CeGaT Center For Human Genetics Tuebingen Variant Classification Criteria Version 2. Collection method: clinical testing. Allele origin: germline. Affected: yes. Observed: 1 variant allele.
Comment: EIF2B1: BP4, BP7

Labcorp Genetics (formerly Invitae), Labcorp
Classification: Likely benign. Last evaluated: 2024-10-17. Review status: criteria provided, single submitter. Criteria: Invitae Variant Classification Sherloc (09022015). Collection method: clinical testing. Allele origin: germline.

NM_001414.4(EIF2B1):c.621T>C (p.Ile207=)

Gene: EIF2B1 (eukaryotic translation initiation factor 2B subunit alpha; minus strand). Cytogenetic location: 12q24.31.
Variant type: single nucleotide variant.
Coding change: c.621T>C on transcript NM_001414.4 (MANE Select); coding-DNA position 621, T replaced by C.
Protein change: p.Ile207=; no amino-acid change (isoleucine 207 retained).
Molecular consequence: synonymous variant.
Genome position (GRCh38, 1-based): chr12:123,624,793, A>G on the plus strand (T>C on the coding strand, the complement: EIF2B1 is on the minus strand). VCF-style: chr12-123624793-A-G. GRCh37 (hg19) VCF-style: chr12-124109340-A-G.
Identifiers: ClinVar variation 3700710 (VCV003700710.6).